The following is an entry in ClinVar:

ClinVar aggregate classification (germline): Likely pathogenic (1 of 4 stars; one submission).

gnomAD v4.1: 18 of 1,583,804 alleles (0.0011%); highest among the groups gnomAD compares: Non-Finnish European, 0.0015%; no homozygotes.

Submission:

GeneDx
Classification: Likely pathogenic. Last evaluated: 2024-06-21. Review status: criteria provided, single submitter. Criteria: GeneDx Variant Classification Process June 2021. Collection method: clinical testing. Allele origin: germline. Affected: yes.
Comment: Reported in a cohort of patients with hypertriglyceridemia; however, detailed clinical information was not provided (PMID: 36325899); Canonical splice site variant predicted to result in a null allele in a gene for which loss of function is a known mechanism of disease; Not observed at significant frequency in large population cohorts (gnomAD); This variant is associated with the following publications: (PMID: 36325899)

NM_022773.4(LMF1):c.1530-2A>G

Gene: LMF1 (lipase maturation factor 1; minus strand). Cytogenetic location: 16p13.3.
Variant type: single nucleotide variant.
Coding change: c.1530-2A>G on transcript NM_022773.4 (MANE Select); the canonical splice acceptor site of the intron before coding-DNA position 1530, A replaced by G.
Molecular consequence: splice acceptor variant.
Genome position (GRCh38, 1-based): chr16:854,708, T>C on the plus strand (A>G on the coding strand, the complement: LMF1 is on the minus strand). VCF-style: chr16-854708-T-C. GRCh37 (hg19) VCF-style: chr16-904708-T-C.
Other names: c.1203-2A>G (NM_001352019.2); c.879-2A>G (NM_001352017.2, NM_001352021.2); c.1131-2A>G (NM_001352018.2); c.1450-2A>G (NM_001352020.1).
Identifiers: ClinVar variation 3391618 (VCV003391618.1).
Genomic context (GRCh38, chr16:854,708, plus strand): 5'-CGGCGTGCCTGCCCCCAGGACGGCTGAACTTGTACCTGTAGTGCTCTCCTCGGACCCACC[T>C]GCAAGGGGGCACATGTCAGCCCAGGGCCTGCTGGGACTCCCGGCCCCCGACCCGGCTCCT-3'